The following is an entry in ClinVar:

NM_001166108.2(PALLD):c.490C>A (p.Pro164Thr)

Gene: PALLD (palladin, cytoskeletal associated protein; plus strand). Cytogenetic location: 4q32.3.
Variant type: single nucleotide variant.
Coding change: c.490C>A on transcript NM_001166108.2 (MANE Select); coding-DNA position 490, C replaced by A.
Protein change: p.Pro164Thr; replaces proline 164 with threonine.
Molecular consequence: missense variant.
Genome position (GRCh38, 1-based): chr4:168,511,994, C>A. VCF-style: chr4-168511994-C-A. GRCh37 (hg19) VCF-style: chr4-169433145-C-A.
Other names: c.490C>A, p.Pro164Thr (NM_016081.4); short protein forms P164T.
Identifiers: ClinVar variation 3226820 (VCV003226820.1), dbSNP rs2531433242, ClinGen allele CA358726136.

ClinVar aggregate classification (germline): Uncertain significance (1 of 4 stars; one submission).

Submission:

Ambry Genetics
Classification: Uncertain significance. Last evaluated: 2023-10-15. Review status: criteria provided, single submitter. Criteria: Ambry Variant Classification Scheme 2023. Collection method: clinical testing. Allele origin: germline.
Comment: The p.P164T variant (also known as c.490C>A), located in coding exon 1 of the PALLD gene, results from a C to A substitution at nucleotide position 490. The proline at codon 164 is replaced by threonine, an amino acid with highly similar properties. This amino acid position is conserved. In addition, this alteration is predicted to be tolerated by in silico analysis. Since supporting evidence is limited at this time, the clinical significance of this alteration remains unclear.